The following is an entry in ClinVar:

NM_024675.4(PALB2):c.3558A>G (p.Ser1186=)

Gene: PALB2 (partner and localizer of BRCA2; minus strand). Cytogenetic location: 16p12.2.
Variant type: single nucleotide variant.
Coding change: c.3558A>G on transcript NM_024675.4 (MANE Select); coding-DNA position 3558, A replaced by G.
Protein change: p.Ser1186=; no amino-acid change (serine 1186 retained).
Molecular consequence: synonymous variant.
Genome position (GRCh38, 1-based): chr16:23,603,462, T>C on the plus strand (A>G on the coding strand, the complement: PALB2 is on the minus strand). VCF-style: chr16-23603462-T-C. GRCh37 (hg19) VCF-style: chr16-23614783-T-C.
Identifiers: ClinVar variation 1425698 (VCV001425698.12), dbSNP rs1164709092, ClinGen allele CA494173482.

ClinVar aggregate classification (germline): Benign/Likely benign. Review status: criteria provided, multiple submitters, no conflicts (2 of 4 stars). 3 submissions from 3 submitters: Benign (1); Likely benign (2). Last evaluated 2025-07-27.

Conditions:
Hereditary cancer-predisposing syndrome. Also called: Tumor predisposition; Hereditary neoplastic syndrome; Neoplastic Syndromes, Hereditary; Hereditary Cancer Syndrome. Identifiers: Orphanet 140162, MedGen C0027672, MeSH D009386, MONDO:0015356.
Familial cancer of breast. Also called: Hereditary breast cancer; BREAST CANCER, FAMILIAL; hereditary breast carcinoma. Identifiers: Orphanet 227535, MedGen C0346153, MONDO:0016419, OMIM 114480. Disease mechanism: loss of function.

Allele frequency attached by ClinVar (database versions not stated): gnomAD 0.00001.
gnomAD v4.1: 1 of 1,611,006 alleles (0.000062%); highest among the groups gnomAD compares: East Asian, 0.0022%; no homozygotes.

Submissions (3):

Labcorp Genetics (formerly Invitae), Labcorp
Classification: Likely benign for Familial cancer of breast. Last evaluated: 2025-07-27. Review status: criteria provided, single submitter. Criteria: Invitae Variant Classification Sherloc (09022015). Collection method: clinical testing. Allele origin: germline.

Myriad Genetics, Inc.
Classification: Benign for Familial cancer of breast. Last evaluated: 2025-01-22. Review status: criteria provided, single submitter. Criteria: Myriad Autosomal Dominant, Autosomal Recessive and X-Linked Classification Criteria (2023). Collection method: clinical testing. Allele origin: unknown.
Comment: This variant is considered benign. This variant is a silent/synonymous amino acid change and it is not expected to impact splicing.

Ambry Genetics
Classification: Likely benign for Hereditary cancer-predisposing syndrome. Last evaluated: 2015-11-12. Review status: criteria provided, single submitter. Criteria: Ambry Variant Classification Scheme 2023. Collection method: clinical testing. Allele origin: germline.